The following is an entry in ClinVar:

NM_002489.4(COXFA4):c.3_4delinsCT (p.Met1_Leu2delinsIlePhe)

Gene: COXFA4 (cytochrome c oxidase associated subunit FA4; minus strand). Cytogenetic location: 7p21.3.
Variant type: Indel.
Coding change: c.3_4delinsCT on transcript NM_002489.4 (MANE Select); coding-DNA positions 3 to 4, GC replaced by CT.
Protein change: p.Met1_Leu2delinsIlePhe.
Molecular consequence: missense variant, initiator codon variant.
Genome position (GRCh38, 1-based): chr7:10,940,054-10,940,055, GC replaced by AG on the plus strand (GC replaced by CT on the coding strand, the reverse complement: COXFA4 is on the minus strand). VCF-style: chr7-10940054-GC-AG. GRCh37 (hg19) VCF-style: chr7-10979681-GC-AG.
Identifiers: ClinVar variation 2830529 (VCV002830529.3), dbSNP rs2534043368, ClinGen allele CA2739266256.

ClinVar aggregate classification (germline): Uncertain significance (1 of 4 stars; one submission).

Submission:

Labcorp Genetics (formerly Invitae), Labcorp
Classification: Uncertain significance. Last evaluated: 2023-01-20. Review status: criteria provided, single submitter. Criteria: Invitae Variant Classification Sherloc (09022015). Collection method: clinical testing. Allele origin: germline.
Comment: In summary, the available evidence is currently insufficient to determine the role of this variant in disease. Therefore, it has been classified as a Variant of Uncertain Significance. Experimental studies and prediction algorithms are not available or were not evaluated, and the functional significance of this variant is currently unknown. This variant has not been reported in the literature in individuals affected with NDUFA4-related conditions. Information on the frequency of this variant in the gnomAD database is not available, as this variant may be reported differently in the database. This sequence change affects the initiator methionine of the NDUFA4 mRNA. There are no downstream in-frame methionine residues; therefore, it is expected to result in an absent or disrupted protein product.